The following is an entry in ClinVar:

NM_001382430.1(AKT1):c.16A>G (p.Ile6Val)

Gene: AKT1 (AKT serine/threonine kinase 1; minus strand). Cytogenetic location: 14q32.33.
Variant type: single nucleotide variant.
Coding change: c.16A>G on transcript NM_001382430.1 (MANE Select); coding-DNA position 16, A replaced by G.
Protein change: p.Ile6Val; replaces isoleucine 6 with valine.
Molecular consequence: missense variant.
Genome position (GRCh38, 1-based): chr14:104,792,628, T>C on the plus strand (A>G on the coding strand, the complement: AKT1 is on the minus strand). VCF-style: chr14-104792628-T-C. GRCh37 (hg19) VCF-style: chr14-105258965-T-C.
Other names: c.16A>G, p.Ile6Val (NM_001014431.2, NM_001014432.2, NM_001382431.1 and 3 more transcripts); short protein forms I6V.
Identifiers: ClinVar variation 1009277 (VCV001009277.8), dbSNP rs1893685625, ClinGen allele CA391223937.

ClinVar aggregate classification (germline): Uncertain significance (1 of 4 stars; one submission).

Conditions:
Cowden syndrome 6 (CWS6). Identifiers: Orphanet 201, MedGen C3554519, MONDO:0014048, OMIM 615109.

Allele frequency attached by ClinVar (database versions not stated): gnomAD exomes 0.00001.
gnomAD v4.1: 7 of 1,611,468 alleles (0.00043%); highest among the groups gnomAD compares: South Asian, 0.0022%; no homozygotes.

Submission:

Labcorp Genetics (formerly Invitae), Labcorp
Classification: Uncertain significance for Cowden syndrome 6. Last evaluated: 2020-10-09. Review status: criteria provided, single submitter. Criteria: Invitae Variant Classification Sherloc (09022015). Collection method: clinical testing. Allele origin: germline.
Comment: In summary, the available evidence is currently insufficient to determine the role of this variant in disease. Therefore, it has been classified as a Variant of Uncertain Significance. Algorithms developed to predict the effect of missense changes on protein structure and function output the following: SIFT: "Tolerated"; PolyPhen-2: "Benign"; Align-GVGD: "Class C0". The valine amino acid residue is found in multiple mammalian species, suggesting that this missense change does not adversely affect protein function. These predictions have not been confirmed by published functional studies and their clinical significance is uncertain. This variant has not been reported in the literature in individuals with AKT1-related conditions. This variant is not present in population databases (ExAC no frequency). This sequence change replaces isoleucine with valine at codon 6 of the AKT1 protein (p.Ile6Val). The isoleucine residue is moderately conserved and there is a small physicochemical difference between isoleucine and valine.